The following is an entry in ClinVar:

ClinVar aggregate classification (germline): Likely pathogenic (1 of 4 stars; one submission).

Conditions:
Cortical dysplasia-focal epilepsy syndrome (PTHSL1). Also called: Pitt-Hopkins-like syndrome 1. Identifiers: Orphanet 163681, Orphanet 221150, MedGen C2750246, MONDO:0012400, OMIM 610042.

Submission:

Labcorp Genetics (formerly Invitae), Labcorp
Classification: Likely pathogenic for Cortical dysplasia-focal epilepsy syndrome. Last evaluated: 2022-11-28. Review status: criteria provided, single submitter. Criteria: Invitae Variant Classification Sherloc (09022015). Collection method: clinical testing. Allele origin: unknown.
Comment: In summary, the currently available evidence indicates that the variant is pathogenic, but additional data are needed to prove that conclusively. Therefore, this variant has been classified as Likely Pathogenic. This variant has not been reported in the literature in individuals affected with CNTNAP2-related conditions. This variant results in a copy number gain of the genomic region encompassing exon(s) 21 of the CNTNAP2 gene. While the exact position of this variant cannot be determined from the data, sub-genic copy number gains are generally in tandem (PMID: 25640679). This variant is predicted to be out-of-frame, and may result in an absent or disrupted protein product. Loss-of-function variants in CNTNAP2 are known to be pathogenic (PMID: 19896112, 21827697, 25045150, 26843181, 27439707).

Literature cited by the submitters: PubMed 25640679; PubMed 19896112; PubMed 21827697; PubMed 25045150; PubMed 26843181; PubMed 27439707.

NC_000007.13:g.(?_147964105)_(147964238_?)dup

Gene: CNTNAP2 (contactin associated protein 2; plus strand). Cytogenetic location: 7q36.1.
Variant type: Duplication.
Identifiers: ClinVar variation 3245764 (VCV003245764.1).